The following is an entry in ClinVar:

ClinVar aggregate classification (germline): Benign. Review status: criteria provided, single submitter (1 of 4 stars). 2 submissions from 1 submitter: Benign (2). Last evaluated 2018-01-12.

Conditions:
Dilated cardiomyopathy 1J (CMD1J). Also called: CARDIOMYOPATHY, DILATED, WITH SENSORINEURAL HEARING LOSS, AUTOSOMAL DOMINANT. Identifiers: Orphanet 217622, MedGen C1854368, MONDO:0011541, OMIM 605362.
Autosomal dominant nonsyndromic hearing loss 10. Identifiers: Orphanet 90635, MedGen C1832476, MONDO:0011031, OMIM 601316.

Allele frequency attached by ClinVar (database versions not stated): gnomAD exomes 0.00909; gnomAD 0.03763 and 0.04026; TOPMed 0.04183; 1000 Genomes Project 0.04633; 1000 Genomes Project 30x 0.05091.
gnomAD v4.1: 5,682 of 152,498 alleles (3.7%); highest among the groups gnomAD compares: African/African-American, 13%; 377 homozygotes.

Submissions (2):

Illumina Laboratory Services, Illumina
Classification: Benign for Autosomal dominant nonsyndromic hearing loss 10. Last evaluated: 2018-01-12. Review status: criteria provided, single submitter. Criteria: ICSL Variant Classification Criteria 13 December 2019. Collection method: clinical testing. Allele origin: germline.
Comment: This variant was observed in the ICSL laboratory as part of a predisposition screen in an ostensibly healthy population. It had not been previously curated by ICSL or reported in the Human Gene Mutation Database (HGMD: prior to June 1st, 2018), and was therefore a candidate for classification through an automated scoring system. Utilizing variant allele frequency, disease prevalence and penetrance estimates, and inheritance mode, an automated score was calculated to assess if this variant is too frequent to cause the disease. Based on the score and internal cut-off values, a variant classified as benign is not then subjected to further curation. The score for this variant resulted in a classification of benign for this disease.

Illumina Laboratory Services, Illumina
Classification: Benign for Dilated cardiomyopathy 1J. Last evaluated: 2018-01-12. Review status: criteria provided, single submitter. Criteria: ICSL Variant Classification Criteria 13 December 2019. Collection method: clinical testing. Allele origin: germline.
Comment: the same text as in the submission from Illumina Laboratory Services, Illumina above.

NM_004100.5(EYA4):c.-76C>T

Gene: EYA4 (EYA transcriptional coactivator and phosphatase 4; plus strand). Cytogenetic location: 6q23.2.
Variant type: single nucleotide variant.
Coding change: c.-76C>T on transcript NM_004100.5 (MANE Select); 76 bases upstream of the start codon, C replaced by T.
Molecular consequence: 5 prime UTR variant.
Genome position (GRCh38, 1-based): chr6:133,241,739, C>T. VCF-style: chr6-133241739-C-T. GRCh37 (hg19) VCF-style: chr6-133562877-C-T.
Other names: c.-76C>T (NM_001301012.2, NM_001301013.2, NM_001370458.1 and 3 more transcripts).
Identifiers: ClinVar variation 355441 (VCV000355441.5), dbSNP rs78081370, ClinGen allele CA10625987.